The following is an entry in ClinVar:

ClinVar aggregate classification (germline): Benign. Review status: no assertion criteria provided (0 of 4 stars). 2 submissions from 1 submitter: Benign (1). 1 of the submissions does not count toward it. Last evaluated 2010-05-27.

Submissions (2):

ISCA site 4
Classification: Benign. Last evaluated: 2010-05-27. Review status: no assertion criteria provided. Collection method: clinical testing. Allele origin: unknown. Affected: yes. Observed: 3 variant alleles. Clinical features observed: Developmental delay AND/OR other significant developmental or morphological phenotypes, Global developmental delay (HP:0001263), Abnormality of the nervous system (HP:0000707).

ISCA site 4
Classification: Benign. Last evaluated: 2011-08-12. Review status: flagged submission. Criteria: Kaminsky et al. (Genet Med. 2011). Collection method: clinical testing. Allele origin: unknown. Affected: yes. Observed: 3 variant alleles. Clinical features observed: Global developmental delay (HP:0001263), Developmental delay AND/OR other significant developmental or morphological phenotypes. Not counted in ClinVar's aggregate classification.
Comment: Copy number variation identified through the course of routine clinical cytogenomic testing in postnatal populations. Clinical assertions have been curated as described in Kaminsky et al. 2011.
ClinVar note: Reason: This record appears to be redundant with a more recent record from the same submitter.
ClinVar note: Notes: SCV000077608 appears to be redundant with SCV000173044.

GRCh38/hg38 10q11.22(chr10:46157935-47923579)x3

Genes: AGAP10 (ArfGAP with GTPase domain, ankyrin repeat and PH domain 10), AGAP9 (ArfGAP with GTPase domain, ankyrin repeat and PH domain 9; minus strand), ANTXRL (ANTXR like; plus strand), ANXA8 (annexin A8; minus strand), ANXA8L1 (annexin A8 like 1; plus strand) and 31 more. Cytogenetic location: 10q11.22.
Variant type: copy number gain.
Change: copy number 3 (three copies instead of two) of chr10:46,157,935-47,923,579 (1.77 Mb, GRCh38 coordinates, 1-based), cytogenetic band 10q11.22.
Identifiers: ClinVar variation 32820 (VCV000032820.3).